The following is an entry in ClinVar:

ClinVar aggregate classification (germline): Uncertain significance (1 of 4 stars; one submission).

Conditions:
Cardiovascular phenotype. Identifiers: MedGen CN230736.
Hereditary cancer-predisposing syndrome. Also called: Hereditary Cancer Syndrome; Hereditary neoplastic syndrome; Neoplastic Syndromes, Hereditary; Tumor predisposition. Identifiers: Orphanet 140162, MedGen C0027672, MeSH D009386, MONDO:0015356.

Submission:

Ambry Genetics
Classification: Uncertain significance for Cardiovascular phenotype; Hereditary cancer-predisposing syndrome. Last evaluated: 2022-09-07. Review status: criteria provided, single submitter. Criteria: Ambry Variant Classification Scheme 2023. Collection method: clinical testing. Allele origin: germline.
Comment: The c.1450-3C>A intronic variant results from a C to A substitution 3 nucleotides upstream from coding exon 14 in the LZTR1 gene. This nucleotide position is well conserved in available vertebrate species. In silico splice site analysis for this alteration is inconclusive. Since supporting evidence is limited at this time, the clinical significance of this alteration remains unclear.

NM_006767.4(LZTR1):c.1450-3C>A

Gene: LZTR1 (leucine zipper like post translational regulator 1; plus strand). Cytogenetic location: 22q11.21.
Variant type: single nucleotide variant.
Coding change: c.1450-3C>A on transcript NM_006767.4 (MANE Select); 3 bases into the intron before coding-DNA position 1450, C replaced by A.
Molecular consequence: intron variant.
Genome position (GRCh38, 1-based): chr22:20,994,101, C>A. VCF-style: chr22-20994101-C-A. GRCh37 (hg19) VCF-style: chr22-21348390-C-A.
Identifiers: ClinVar variation 1772929 (VCV001772929.2), dbSNP rs765227550, ClinGen allele CA2580099180.